The following is an entry in ClinVar:

NM_000238.4(KCNH2):c.2593-51C>T

Gene: KCNH2 (potassium voltage-gated channel subfamily H member 2; minus strand). Cytogenetic location: 7q36.1.
Variant type: single nucleotide variant.
Coding change: c.2593-51C>T on transcript NM_000238.4 (MANE Select); 51 bases into the intron before coding-DNA position 2593, C replaced by T.
Molecular consequence: intron variant.
Genome position (GRCh38, 1-based): chr7:150,948,594, G>A on the plus strand (C>T on the coding strand, the complement: KCNH2 is on the minus strand). VCF-style: chr7-150948594-G-A. GRCh37 (hg19) VCF-style: chr7-150645682-G-A.
Other names: c.1573-51C>T (NM_172057.3).
Identifiers: ClinVar variation 671950 (VCV000671950.2), dbSNP rs2968860, ClinGen allele CA033350.

ClinVar aggregate classification (germline): Benign. Review status: criteria provided, multiple submitters, no conflicts (2 of 4 stars). 2 submissions from 2 submitters: Benign (2). Last evaluated 2018-06-14.

Allele frequency attached by ClinVar (database versions not stated): gnomAD exomes 0.59839 and 0.62325; ESP Exome Variant Server 0.61679; ExAC 0.62252; gnomAD 0.62779 and 0.63169; TOPMed 0.64158; 1000 Genomes Project 30x 0.70909; 1000 Genomes Project 0.70946.
gnomAD v4.1: 911,230 of 1,513,210 alleles (60%); highest among the groups gnomAD compares: East Asian, 90%; 277,928 homozygotes.

Submissions (2):

GeneDx
Classification: Benign. Last evaluated: 2018-06-14. Review status: criteria provided, single submitter. Criteria: GeneDx Variant Classification (06012015). Collection method: clinical testing. Allele origin: germline. Affected: yes.
Comment: This variant is considered likely benign or benign based on one or more of the following criteria: it is a conservative change, it occurs at a poorly conserved position in the protein, it is predicted to be benign by multiple in silico algorithms, and/or has population frequency not consistent with disease.

Breakthrough Genomics
Classification: Benign. Review status: criteria provided, single submitter. Criteria: ACMG Guidelines, 2015. Collection method: not provided. Allele origin: germline. Inheritance: Autosomal dominant inheritance. Affected: yes.